The following is an entry in ClinVar:

NM_001429.4(EP300):c.4452+6T>C

Gene: EP300 (EP300 lysine acetyltransferase; plus strand). Cytogenetic location: 22q13.2.
Variant type: single nucleotide variant.
Coding change: c.4452+6T>C on transcript NM_001429.4 (MANE Select); 6 bases into the intron after coding-DNA position 4452, T replaced by C.
Molecular consequence: intron variant.
Genome position (GRCh38, 1-based): chr22:41,170,577, T>C. VCF-style: chr22-41170577-T-C. GRCh37 (hg19) VCF-style: chr22-41566581-T-C.
Other names: c.4374+6T>C (NM_001362843.2).
Identifiers: ClinVar variation 4990242 (VCV004990242.1).

ClinVar aggregate classification (germline): Likely benign (1 of 4 stars; one submission).

Conditions:
EP300-related disorder. Also called: EP300-related condition; EP300-related disorders.

gnomAD v4.1: 4 of 1,613,588 alleles (0.00025%); highest among the groups gnomAD compares: African/African-American, 0.0027%; no homozygotes.

Submission:

PreventionGenetics, part of Exact Sciences
Classification: Likely benign for EP300-related condition. Last evaluated: 2025-09-12. Review status: criteria provided, single submitter. Criteria: ACMG Guidelines, 2015. Collection method: clinical testing. Allele origin: germline.
Comment: This variant is classified as likely benign based on ACMG/AMP sequence variant interpretation guidelines (Richards et al. 2015 PMID: 25741868, with internal and published modifications).